The following is an entry in ClinVar:

ClinVar aggregate classification (germline): Likely pathogenic (1 of 4 stars; one submission).

Conditions:
MPI-congenital disorder of glycosylation. Also called: CDG Ib; MPI-CDG; MANNOSEPHOSPHATE ISOMERASE DEFICIENCY; MPI DEFICIENCY; PROTEIN-LOSING ENTEROPATHY-HEPATIC FIBROSIS SYNDROME; CONGENITAL DISORDER OF GLYCOSYLATION, TYPE Ib. Identifiers: Orphanet 79319, MedGen C1865145, MONDO:0011257, OMIM 602579.

Submission:

Labcorp Genetics (formerly Invitae), Labcorp
Classification: Likely pathogenic for MPI-congenital disorder of glycosylation. Last evaluated: 2025-12-21. Review status: criteria provided, single submitter. Criteria: Invitae Variant Classification Sherloc (09022015). Collection method: clinical testing. Allele origin: germline.
Comment: This variant results in the deletion of part of exon 7 (c.845-2_846del) of the MPI gene. It is expected to disrupt RNA splicing. Variants that disrupt the donor or acceptor splice site typically lead to a loss of protein function (PMID: 16199547), and loss-of-function variants in MPI are known to be pathogenic (PMID: 19862844). This variant is not present in population databases (gnomAD no frequency). This variant has not been reported in the literature in individuals affected with MPI-related conditions. In summary, the currently available evidence indicates that the variant is pathogenic, but additional data are needed to prove that conclusively. Therefore, this variant has been classified as Likely Pathogenic.

Literature cited by the submitters: PubMed 16199547; PubMed 19862844.

NM_002435.3(MPI):c.845-2_846del

Gene: MPI (mannose phosphate isomerase; plus strand). Cytogenetic location: 15q24.1.
Variant type: Deletion.
Coding change: c.845-2_846del on transcript NM_002435.3 (MANE Select); the canonical splice acceptor site of the intron before coding-DNA position 845 through coding-DNA position 846, 4 bases deleted (AGAC; older notation c.845-2_846delAGAC).
Molecular consequence: splice acceptor variant. On other transcripts: intron variant (1).
Genome position (GRCh38, 1-based): chr15:74,897,009-74,897,012, AGAC deleted; deleting any 4 consecutive bases within chr15:74,897,008-74,897,012 gives the same sequence; the c. name uses the placement nearest the transcript's 3' end. VCF-style (leftmost placement, unchanged base first): chr15-74897007-CCAGA-C. GRCh37 (hg19) VCF-style: chr15-75189348-CCAGA-C.
Other names: c.785-2_786del (NM_001330372.2); c.845-503_845-500del (NM_001289155.2); c.662-2_663del (NM_001289157.2); c.695-2_696del (NM_001289156.2).
Identifiers: ClinVar variation 4696416 (VCV004696416.1).